The following is an entry in ClinVar:

ClinVar aggregate classification (germline): Uncertain significance. Review status: criteria provided, multiple submitters, no conflicts (2 of 4 stars). 2 submissions from 2 submitters: Uncertain significance (2). Last evaluated 2024-08-05.

Conditions:
Muscular dystrophy-dystroglycanopathy (congenital with brain and eye anomalies), type a, 8 (MDDGA8). Also called: WALKER-WARBURG SYNDROME OR MUSCLE-EYE-BRAIN DISEASE, GTDC2-RELATED. Identifiers: Orphanet 899, MedGen C3553813, MONDO:0013904, OMIM 614830.

Allele frequency attached by ClinVar (database versions not stated): ExAC 0.00004; gnomAD exomes 0.00004; TOPMed 0.00007; ESP Exome Variant Server 0.00008; gnomAD 0.00009.

Submissions (2):

Labcorp Genetics (formerly Invitae), Labcorp
Classification: Uncertain significance for Muscular dystrophy-dystroglycanopathy (congenital with brain and eye anomalies), type a, 8. Last evaluated: 2024-08-05. Review status: criteria provided, single submitter. Criteria: Invitae Variant Classification Sherloc (09022015). Collection method: clinical testing. Allele origin: germline.
Comment: This sequence change replaces arginine, which is basic and polar, with tryptophan, which is neutral and slightly polar, at codon 180 of the POMGNT2 protein (p.Arg180Trp). This variant is present in population databases (rs371895867, gnomAD 0.03%). This variant has not been reported in the literature in individuals affected with POMGNT2-related conditions. ClinVar contains an entry for this variant (Variation ID: 862034). Advanced modeling of protein sequence and biophysical properties (such as structural, functional, and spatial information, amino acid conservation, physicochemical variation, residue mobility, and thermodynamic stability) performed at Invitae indicates that this missense variant is not expected to disrupt POMGNT2 protein function with a negative predictive value of 80%. In summary, the available evidence is currently insufficient to determine the role of this variant in disease. Therefore, it has been classified as a Variant of Uncertain Significance.

CeGaT Center for Human Genetics Tuebingen
Classification: Uncertain significance. Last evaluated: 2022-05-01. Review status: criteria provided, single submitter. Criteria: CeGaT Center For Human Genetics Tuebingen Variant Classification Criteria Version 2. Collection method: clinical testing. Allele origin: germline. Affected: yes. Observed: 1 variant allele.
Comment: POMGNT2: PM2, BP4

NM_032806.6(POMGNT2):c.538C>T (p.Arg180Trp)

Gene: POMGNT2 (protein O-linked mannose N-acetylglucosaminyltransferase 2 (beta 1,4-); minus strand). Cytogenetic location: 3p22.1.
Variant type: single nucleotide variant.
Coding change: c.538C>T on transcript NM_032806.6 (MANE Select); coding-DNA position 538, C replaced by T.
Protein change: p.Arg180Trp; replaces arginine 180 with tryptophan.
Molecular consequence: missense variant.
Genome position (GRCh38, 1-based): chr3:43,080,894, G>A on the plus strand (C>T on the coding strand, the complement: POMGNT2 is on the minus strand). VCF-style: chr3-43080894-G-A. GRCh37 (hg19) VCF-style: chr3-43122386-G-A.
Other names: short protein forms R180W.
Identifiers: ClinVar variation 862034 (VCV000862034.35), dbSNP rs371895867, ClinGen allele CA2340049.